The following is an entry in ClinVar:

ClinVar aggregate classification (germline): Uncertain significance. Review status: criteria provided, multiple submitters, no conflicts (2 of 4 stars). 2 submissions from 2 submitters: Uncertain significance (2). Last evaluated 2025-10-18.

Allele frequency attached by ClinVar (database versions not stated): gnomAD exomes 0.00001 and 0.00003; ExAC 0.00002; gnomAD 0.00002; TOPMed 0.00003.
gnomAD v4.1: 23 of 1,614,076 alleles (0.0014%); highest among the groups gnomAD compares: Admixed American, 0.0017%; no homozygotes.

Submissions (2):

Labcorp Genetics (formerly Invitae), Labcorp
Classification: Uncertain significance. Last evaluated: 2025-10-18. Review status: criteria provided, single submitter. Criteria: Invitae Variant Classification Sherloc (09022015). Collection method: clinical testing. Allele origin: germline.
Comment: This sequence change replaces proline, which is neutral and non-polar, with leucine, which is neutral and non-polar, at codon 294 of the KIF20A protein (p.Pro294Leu). This variant is present in population databases (rs762545036, gnomAD 0.006%). This variant has not been reported in the literature in individuals affected with KIF20A-related conditions. ClinVar contains an entry for this variant (Variation ID: 1413827). An algorithm developed to predict the effect of missense changes on protein structure and function (PolyPhen-2) suggests that this variant is likely to be tolerated. In summary, the available evidence is currently insufficient to determine the role of this variant in disease. Therefore, it has been classified as a Variant of Uncertain Significance.

Ambry Genetics
Classification: Uncertain significance. Last evaluated: 2023-03-22. Review status: criteria provided, single submitter. Criteria: Ambry Variant Classification Scheme 2023. Collection method: clinical testing. Allele origin: germline.

NM_005733.3(KIF20A):c.881C>T (p.Pro294Leu)

Gene: KIF20A (kinesin family member 20A; plus strand). Cytogenetic location: 5q31.2.
Variant type: single nucleotide variant.
Coding change: c.881C>T on transcript NM_005733.3 (MANE Select); coding-DNA position 881, C replaced by T.
Protein change: p.Pro294Leu; replaces proline 294 with leucine.
Molecular consequence: missense variant.
Genome position (GRCh38, 1-based): chr5:138,183,217, C>T. VCF-style: chr5-138183217-C-T. GRCh37 (hg19) VCF-style: chr5-137518906-C-T.
Other names: c.881C>T (NM_005733.2); short protein forms P294L.
Identifiers: ClinVar variation 1413827 (VCV001413827.9), dbSNP rs762545036, ClinGen allele CA3426436.